The following is an entry in ClinVar:

ClinVar aggregate classification (germline): Uncertain significance (1 of 4 stars; one submission).

Conditions:
Hereditary pancreatitis (PCTT). Also called: Hereditary chronic pancreatitis; PRSS1-Related Hereditary Pancreatitis. Identifiers: Orphanet 676, MedGen C0238339, MONDO:0008185, OMIM 167800.

Submission:

Ambry Genetics
Classification: Uncertain significance for Hereditary pancreatitis. Last evaluated: 2024-07-17. Review status: criteria provided, single submitter. Criteria: Ambry Variant Classification Scheme 2023. Collection method: clinical testing. Allele origin: germline.
Comment: The p.K237R variant (also known as c.710A>G), located in coding exon 5 of the PRSS1 gene, results from an A to G substitution at nucleotide position 710. The lysine at codon 237 is replaced by arginine, an amino acid with highly similar properties. This amino acid position is conserved. In addition, this alteration is predicted to be tolerated by in silico analysis. Based on the available evidence, the clinical significance of this variant remains unclear.

NM_002769.5(PRSS1):c.710A>G (p.Lys237Arg)

Genes: PRSS1 (serine protease 1; plus strand), TRB (T cell receptor beta locus; plus strand). Cytogenetic location: 7q34.
Variant type: single nucleotide variant.
Coding change: c.710A>G on transcript NM_002769.5 (MANE Select); coding-DNA position 710, A replaced by G.
Protein change: p.Lys237Arg; replaces lysine 237 with arginine.
Molecular consequence: missense variant. On other transcripts: non-coding transcript variant (5).
Genome position (GRCh38, 1-based): chr7:142,752,986, A>G. VCF-style: chr7-142752986-A-G. GRCh37 (hg19) VCF-style: chr7-142460837-A-G.
Other names: short protein forms K237R.
Identifiers: ClinVar variation 3426308 (VCV003426308.1).